The following is an entry in ClinVar:

ClinVar aggregate classification (germline): Conflicting classifications of pathogenicity. Review status: criteria provided, conflicting classifications (1 of 4 stars). 3 submissions from 3 submitters: Uncertain significance (2); Likely benign (1). Last evaluated 2025-10-16.

Allele frequency attached by ClinVar (database versions not stated): ExAC 0.00012; gnomAD 0.00017 and 0.00016; TOPMed 0.00046; gnomAD exomes 0.00002 and 0.00007; 1000 Genomes Project 0.00020; 1000 Genomes Project 30x 0.00031.
gnomAD v4.1: 57 of 1,614,182 alleles (0.0035%); highest among the groups gnomAD compares: Admixed American, 0.083%; no homozygotes.

Submissions (3):

Mayo Clinic Laboratories, Mayo Clinic
Classification: Uncertain significance. Last evaluated: 2025-10-16. Review status: criteria provided, single submitter. Criteria: ACMG Guidelines, 2015. Collection method: clinical testing. Allele origin: germline. Observed: 3 variant alleles.
Comment: BP4, PM2_supporting

Labcorp Genetics (formerly Invitae), Labcorp
Classification: Uncertain significance. Last evaluated: 2022-10-17. Review status: criteria provided, single submitter. Criteria: Invitae Variant Classification Sherloc (09022015). Collection method: clinical testing. Allele origin: germline.
Comment: This sequence change replaces isoleucine, which is neutral and non-polar, with valine, which is neutral and non-polar, at codon 520 of the PDP1 protein (p.Ile520Val). This variant is present in population databases (rs202145000, gnomAD 0.03%). This variant has not been reported in the literature in individuals affected with PDP1-related conditions. ClinVar contains an entry for this variant (Variation ID: 214970). Algorithms developed to predict the effect of missense changes on protein structure and function (SIFT, PolyPhen-2, Align-GVGD) all suggest that this variant is likely to be tolerated. In summary, the available evidence is currently insufficient to determine the role of this variant in disease. Therefore, it has been classified as a Variant of Uncertain Significance.

GeneDx
Classification: Likely benign. Last evaluated: 2012-12-04. Review status: criteria provided, single submitter. Criteria: GeneDx Variant Classification (06012015). Collection method: clinical testing. Allele origin: germline. Affected: yes.
Comment: The variant is found in MITONUC-MITOP panel(s).

NM_018444.4(PDP1):c.1558A>G (p.Ile520Val)

Gene: PDP1 (pyruvate dehydrogenase phosphatase catalytic subunit 1; plus strand). Cytogenetic location: 8q22.1.
Variant type: single nucleotide variant.
Coding change: c.1558A>G on transcript NM_018444.4 (MANE Select); coding-DNA position 1558, A replaced by G.
Protein change: p.Ile520Val; replaces isoleucine 520 with valine.
Molecular consequence: missense variant.
Genome position (GRCh38, 1-based): chr8:93,923,617, A>G. VCF-style: chr8-93923617-A-G. GRCh37 (hg19) VCF-style: chr8-94935845-A-G.
Other names: p.I579V:ATC>GTC; p.Ile520Val; c.1633A>G, p.Ile545Val (NM_001161779.2, NM_001161780.2); c.1558A>G, p.Ile520Val (NM_001161781.2); short protein forms I520V, I545V.
Identifiers: ClinVar variation 214970 (VCV000214970.5), dbSNP rs202145000, ClinGen allele CA4808847.
Genomic context (GRCh38, chr8:93,923,617, plus strand): 5'-CTCTCTAAAATGCTTAGTCTTCCTGAAGAGCTTGCTCGAATGTACAGAGATGACATTACA[A>G]TCATTGTAGTTCAGTTCAATTCTCATGTTGTAGGGGCGTATCAAAACCAAGAATAGTGAG-3'
Protein context (NP_060914.2, residues 510-530): LARMYRDDIT[Ile520Val]IVVQFNSHVV